The following is an entry in ClinVar:

NM_194454.3(KRIT1):c.508C>T (p.Gln170Ter)

Gene: KRIT1 (KRIT1 ankyrin repeat containing; minus strand). Cytogenetic location: 7q21.2.
Variant type: single nucleotide variant.
Coding change: c.508C>T on transcript NM_194454.3 (MANE Select); coding-DNA position 508, C replaced by T.
Protein change: p.Gln170Ter; replaces glutamine 170 with a stop codon.
Molecular consequence: nonsense. On other transcripts: 5 prime UTR variant (1).
Genome position (GRCh38, 1-based): chr7:92,235,624, G>A on the plus strand (C>T on the coding strand, the complement: KRIT1 is on the minus strand). VCF-style: chr7-92235624-G-A. GRCh37 (hg19) VCF-style: chr7-91864938-G-A.
Other names: c.508C>T, p.Gln170Ter (NM_001350683.1, NM_001350684.1, NM_001350685.1 and 29 more transcripts); c.-76C>T (NM_001350671.1); short protein forms Q170*.
Identifiers: ClinVar variation 2021968 (VCV002021968.4), dbSNP rs1418677221, ClinGen allele CA368161493.
Genomic context (GRCh38, chr7:92,235,624, plus strand): 5'-CATTAGTTTTTATCCGCTCAAGAGGAGAAGGTCGGAATAAAGCTGGAATAAAGTGAGATT[G>A]TGCATGACGTTCATCTAACCACCTGGCAAAATAAAAAAACAGGTAGAAGTAGCCATTCGA-3'

ClinVar aggregate classification (germline): Pathogenic (1 of 4 stars; one submission).

Conditions:
Cerebral cavernous malformation (CCM). Also called: CAVERNOUS ANGIOMA, FAMILIAL; CAVERNOUS ANGIOMATOUS MALFORMATIONS; CEREBRAL CAPILLARY MALFORMATIONS; Cerebral cavernous hemangioma (type); Cerebral cavernous malformations; Cavernous Hemangioma of Brain. Identifiers: Orphanet 221061, MedGen C2919945, MONDO:0000820, OMIM 116860, HP:0033522.

Submission:

Labcorp Genetics (formerly Invitae), Labcorp
Classification: Pathogenic for Cerebral cavernous malformation. Last evaluated: 2022-08-05. Review status: criteria provided, single submitter. Criteria: Invitae Variant Classification Sherloc (09022015). Collection method: clinical testing. Allele origin: germline.
Comment: This variant is not present in population databases (gnomAD no frequency). For these reasons, this variant has been classified as Pathogenic. This variant has not been reported in the literature in individuals affected with KRIT1-related conditions. This sequence change creates a premature translational stop signal (p.Gln170*) in the KRIT1 gene. It is expected to result in an absent or disrupted protein product. Loss-of-function variants in KRIT1 are known to be pathogenic (PMID: 10508515, 11222804, 12404106, 24689081).

Literature cited by the submitters: PubMed 10508515; PubMed 11222804; PubMed 12404106; PubMed 24689081.